The following is an entry in ClinVar:

ClinVar aggregate classification (germline): Uncertain significance (1 of 4 stars; one submission).

Conditions:
Immunodeficiency, common variable, 10. Also called: IMMUNODEFICIENCY, COMMON VARIABLE, WITH CENTRAL ADRENAL INSUFFICIENCY; DEFICIT IN ANTERIOR PITUITARY FUNCTION AND VARIABLE IMMUNODEFICIENCY. Identifiers: MedGen C3809991, MONDO:0014260, OMIM 615577.

Submission:

Labcorp Genetics (formerly Invitae), Labcorp
Classification: Uncertain significance for Immunodeficiency, common variable, 10. Last evaluated: 2024-07-19. Review status: criteria provided, single submitter. Criteria: Invitae Variant Classification Sherloc (09022015). Collection method: clinical testing. Allele origin: germline.
Comment: This sequence change replaces proline, which is neutral and non-polar, with threonine, which is neutral and polar, at codon 706 of the NFKB2 protein (p.Pro706Thr). This variant is not present in population databases (gnomAD no frequency). This variant has not been reported in the literature in individuals affected with NFKB2-related conditions. An algorithm developed to predict the effect of missense changes on protein structure and function (PolyPhen-2) suggests that this variant is likely to be tolerated. Algorithms developed to predict the effect of sequence changes on RNA splicing suggest that this variant may create or strengthen a splice site. In summary, the available evidence is currently insufficient to determine the role of this variant in disease. Therefore, it has been classified as a Variant of Uncertain Significance.

NM_001322934.2(NFKB2):c.2116C>A (p.Pro706Thr)

Gene: NFKB2 (nuclear factor kappa B subunit 2; plus strand). Cytogenetic location: 10q24.32.
Variant type: single nucleotide variant.
Coding change: c.2116C>A on transcript NM_001322934.2 (MANE Select); coding-DNA position 2116, C replaced by A.
Protein change: p.Pro706Thr; replaces proline 706 with threonine.
Molecular consequence: missense variant.
Genome position (GRCh38, 1-based): chr10:102,401,224, C>A. VCF-style: chr10-102401224-C-A. GRCh37 (hg19) VCF-style: chr10-104160981-C-A.
Other names: c.2116C>A, p.Pro706Thr (NM_001077494.3, NM_001261403.3, NM_001288724.1 and 1 more transcripts); c.1990C>A, p.Pro664Thr (NM_001322935.1); short protein forms P706T, P664T.
Identifiers: ClinVar variation 3659982 (VCV003659982.2).